The following is an entry in ClinVar:

ClinVar aggregate classification (germline): Conflicting classifications of pathogenicity. Review status: criteria provided, conflicting classifications (1 of 4 stars). 2 submissions from 2 submitters: Uncertain significance (1); Likely benign (1). Last evaluated 2024-11-05.

Conditions:
Inborn genetic diseases. Identifiers: MedGen C0950123, MeSH D030342.

Allele frequency attached by ClinVar (database versions not stated): gnomAD exomes below 0.00001; TOPMed 0.00001.
gnomAD v4.1: 2 of 1,207,670 alleles (0.00017%); highest among the groups gnomAD compares: Admixed American, 0.0043%; no homozygotes.

Submissions (2):

Labcorp Genetics (formerly Invitae), Labcorp
Classification: Uncertain significance. Last evaluated: 2024-11-05. Review status: criteria provided, single submitter. Criteria: Invitae Variant Classification Sherloc (09022015). Collection method: clinical testing. Allele origin: germline.
Comment: This sequence change replaces isoleucine, which is neutral and non-polar, with valine, which is neutral and non-polar, at codon 2505 of the HUWE1 protein (p.Ile2505Val). This variant is present in population databases (no rsID available, gnomAD 0.008%). This variant has not been reported in the literature in individuals affected with HUWE1-related conditions. ClinVar contains an entry for this variant (Variation ID: 1759286). Invitae Evidence Modeling of protein sequence and biophysical properties (such as structural, functional, and spatial information, amino acid conservation, physicochemical variation, residue mobility, and thermodynamic stability) has been performed for this missense variant. However, the output from this modeling did not meet the statistical confidence thresholds required to predict the impact of this variant on HUWE1 protein function. In summary, the available evidence is currently insufficient to determine the role of this variant in disease. Therefore, it has been classified as a Variant of Uncertain Significance.

Ambry Genetics
Classification: Likely benign for Inborn genetic diseases. Last evaluated: 2019-09-19. Review status: criteria provided, single submitter. Criteria: Ambry Variant Classification Scheme 2023. Collection method: clinical testing. Allele origin: germline.

NM_031407.7(HUWE1):c.7513A>G (p.Ile2505Val)

Gene: HUWE1 (HECT, UBA and WWE domain containing E3 ubiquitin protein ligase 1; minus strand). Cytogenetic location: Xp11.22.
Variant type: single nucleotide variant.
Coding change: c.7513A>G on transcript NM_031407.7 (MANE Select); coding-DNA position 7513, A replaced by G.
Protein change: p.Ile2505Val; replaces isoleucine 2505 with valine.
Molecular consequence: missense variant.
Genome position (GRCh38, 1-based): chrX:53,560,411, T>C on the plus strand (A>G on the coding strand, the complement: HUWE1 is on the minus strand). VCF-style: chrX-53560411-T-C. GRCh37 (hg19) VCF-style: chrX-53587372-T-C.
Other names: short protein forms I2505V.
Identifiers: ClinVar variation 1759286 (VCV001759286.5), dbSNP rs1384867851, ClinGen allele CA413156176.